The following is an entry in ClinVar:

ClinVar aggregate classification (germline): Pathogenic. Review status: criteria provided, multiple submitters, no conflicts (2 of 4 stars). 4 submissions from 4 submitters: Pathogenic (3). 1 of the submissions does not count toward it. Last evaluated 2023-10-01.

Conditions:
Hearing loss, autosomal recessive 57. Also called: DEAFNESS, AUTOSOMAL RECESSIVE 57. Identifiers: MedGen C4693893, MONDO:0033201, OMIM 618003.
PDZD7-related disorder. Also called: PDZD7-related condition; PDZD7-related disorders.

Submissions (4):

CeGaT Center for Human Genetics Tuebingen
Classification: Pathogenic. Last evaluated: 2023-10-01. Review status: criteria provided, single submitter. Criteria: CeGaT Center For Human Genetics Tuebingen Variant Classification Criteria Version 2. Collection method: clinical testing. Allele origin: germline. Affected: yes. Observed: 1 variant allele.
Comment: PDZD7: PVS1, PM2, PM3

Baylor Genetics
Classification: Pathogenic for Hearing loss, autosomal recessive 57. Last evaluated: 2023-06-23. Review status: criteria provided, single submitter. Criteria: ACMG Guidelines, 2015. Collection method: clinical testing. Allele origin: unknown.

Blueprint Genetics
Classification: Pathogenic for PDZD7-related disorders. Last evaluated: 2021-10-20. Review status: criteria provided, single submitter. Criteria: ACMG Guidelines, 2015. Collection method: clinical testing. Allele origin: germline. Affected: yes. Observed: 1 variant allele.

OMIM
Classification: Pathogenic for DEAFNESS, AUTOSOMAL RECESSIVE 57. Last evaluated: 2010-06-01. Review status: no assertion criteria provided. Collection method: literature only. Allele origin: germline. Not counted in ClinVar's aggregate classification.

Literature cited by the submitters: PubMed 26849169 (cited by OMIM); PubMed 20440071 (cited by OMIM).

NM_001195263.2(PDZD7):c.1648C>T (p.Gln550Ter)

Gene: PDZD7 (PDZ domain containing 7; minus strand). Cytogenetic location: 10q24.31.
Variant type: single nucleotide variant.
Coding change: c.1648C>T on transcript NM_001195263.2 (MANE Select); coding-DNA position 1648, C replaced by T.
Protein change: p.Gln550Ter; replaces glutamine 550 with a stop codon.
Molecular consequence: nonsense.
Genome position (GRCh38, 1-based): chr10:101,015,737, G>A on the plus strand (C>T on the coding strand, the complement: PDZD7 is on the minus strand). VCF-style: chr10-101015737-G-A. GRCh37 (hg19) VCF-style: chr10-102775494-G-A.
Other names: short protein forms Q550*.
Identifiers: ClinVar variation 545404 (VCV000545404.27), dbSNP rs1554834161, ClinGen allele CA378226987.